The following is an entry in ClinVar:

NM_198578.4(LRRK2):c.5317+68dup

Gene: LRRK2 (leucine rich repeat kinase 2; plus strand). Cytogenetic location: 12q12.
Variant type: Duplication.
Coding change: c.5317+68dup on transcript NM_198578.4 (MANE Select); 68 bases into the intron after coding-DNA position 5317, one base duplicated (A; older notation c.5317+68dupA).
Molecular consequence: intron variant.
Genome position (GRCh38, 1-based): chr12:40,322,249, A duplicated; the last of 14 consecutive A bases (chr12:40,322,236-40,322,249); duplicating any one gives the same sequence. VCF-style (leftmost placement, unchanged base first): chr12-40322235-T-TA. GRCh37 (hg19) VCF-style: chr12-40716037-T-TA.
Identifiers: ClinVar variation 1706705 (VCV001706705.2), dbSNP rs66762941, ClinGen allele CA235363114.

ClinVar aggregate classification (germline): Likely benign (1 of 4 stars; one submission).

Submission:

GeneDx
Classification: Likely benign. Last evaluated: 2020-09-12. Review status: criteria provided, single submitter. Criteria: GeneDx Variant Classification Process June 2021. Collection method: clinical testing. Allele origin: germline. Affected: yes.
Comment: See Variant Classification Assertion Criteria.